The following is an entry in ClinVar:

NM_013275.6(ANKRD11):c.3107A>T (p.Asp1036Val)

Gene: ANKRD11 (ankyrin repeat domain 11; minus strand). Cytogenetic location: 16q24.3.
Variant type: single nucleotide variant.
Coding change: c.3107A>T on transcript NM_013275.6 (MANE Select); coding-DNA position 3107, A replaced by T.
Protein change: p.Asp1036Val; replaces aspartic acid 1036 with valine.
Molecular consequence: missense variant.
Genome position (GRCh38, 1-based): chr16:89,283,435, T>A on the plus strand (A>T on the coding strand, the complement: ANKRD11 is on the minus strand). VCF-style: chr16-89283435-T-A. GRCh37 (hg19) VCF-style: chr16-89349843-T-A.
Other names: c.3107A>T, p.Asp1036Val (NM_001256182.2, NM_001256183.2); short protein forms D1036V.
Identifiers: ClinVar variation 1304151 (VCV001304151.6), dbSNP rs2151756432, ClinGen allele CA397160581.
Genomic context (GRCh38, chr16:89,283,435, plus strand): 5'-AAACATTTATCAAATTCTTTGTCCTTCTGACATTTTTCCAGGATTGATTTCTCACTTTTG[T>A]CCTTGTCACTGGATTTCTCTTTGTATCTTTCTGGTTTTGTCTTCTCCTTCCTTTCCTTAT-3'
Protein context (NP_037407.4, residues 1026-1046): ERYKEKSSDK[Asp1036Val]KSEKSILEKC

ClinVar aggregate classification (germline): Uncertain significance. Review status: criteria provided, multiple submitters, no conflicts (2 of 4 stars). 2 submissions from 2 submitters: Uncertain significance (2). Last evaluated 2022-08-19.

Conditions:
KBG syndrome (KBGS). Also called: ANKRD11-Related KBG Syndrome. Identifiers: Orphanet 2332, MedGen C0220687, MONDO:0007846, OMIM 148050.

Submissions (2):

Labcorp Genetics (formerly Invitae), Labcorp
Classification: Uncertain significance for KBG syndrome. Last evaluated: 2022-08-19. Review status: criteria provided, single submitter. Criteria: Invitae Variant Classification Sherloc (09022015). Collection method: clinical testing. Allele origin: germline.
Comment: This sequence change replaces aspartic acid, which is acidic and polar, with valine, which is neutral and non-polar, at codon 1036 of the ANKRD11 protein (p.Asp1036Val). In summary, the available evidence is currently insufficient to determine the role of this variant in disease. Therefore, it has been classified as a Variant of Uncertain Significance. Advanced modeling of protein sequence and biophysical properties (such as structural, functional, and spatial information, amino acid conservation, physicochemical variation, residue mobility, and thermodynamic stability) performed at Invitae indicates that this missense variant is not expected to disrupt ANKRD11 protein function. ClinVar contains an entry for this variant (Variation ID: 1304151). This variant has not been reported in the literature in individuals affected with ANKRD11-related conditions. This variant is not present in population databases (gnomAD no frequency).

GeneDx
Classification: Uncertain significance. Last evaluated: 2020-09-14. Review status: criteria provided, single submitter. Criteria: GeneDx Variant Classification Process June 2021. Collection method: clinical testing. Allele origin: germline. Affected: yes.
Comment: Not observed in large population cohorts (Lek et al., 2016); In silico analysis supports that this missense variant has a deleterious effect on protein structure/function; Has not been previously published as pathogenic or benign to our knowledge